The following is an entry in ClinVar:

NM_005689.4(ABCB6):c.1385C>T (p.Thr462Met)

Gene: ABCB6 (ATP binding cassette subfamily B member 6 (LAN blood group); minus strand). Cytogenetic location: 2q35.
Variant type: single nucleotide variant.
Coding change: c.1385C>T on transcript NM_005689.4 (MANE Select); coding-DNA position 1385, C replaced by T.
Protein change: p.Thr462Met; replaces threonine 462 with methionine.
Molecular consequence: missense variant.
Genome position (GRCh38, 1-based): chr2:219,214,390, G>A on the plus strand (C>T on the coding strand, the complement: ABCB6 is on the minus strand). VCF-style: chr2-219214390-G-A. GRCh37 (hg19) VCF-style: chr2-220079112-G-A.
Other names: c.1247C>T, p.Thr416Met (NM_001349828.2); short protein forms T462M, T416M.
Identifiers: ClinVar variation 451541 (VCV000451541.2), dbSNP rs200074767, ClinGen allele CA2119436.

ClinVar aggregate classification (germline): Uncertain significance (1 of 4 stars; one submission).

Allele frequency attached by ClinVar (database versions not stated): TOPMed 0.00002; ExAC 0.00003; gnomAD 0.00003 and 0.00004; gnomAD exomes 0.00003.
gnomAD v4.1: 48 of 1,612,910 alleles (0.003%); highest among the groups gnomAD compares: African/African-American, 0.004%; no homozygotes.

Submission:

GeneDx
Classification: Uncertain significance. Last evaluated: 2017-08-25. Review status: criteria provided, single submitter. Criteria: GeneDx Variant Classification (06012015). Collection method: clinical testing. Allele origin: germline. Affected: yes.
Comment: The T462M variant in the ABCB6 gene has not been reported previously as a pathogenic variant, nor as a benign variant, to our knowledge. This variant is observed in 1/11568 (0.009%) alleles from individuals of Latino background in the ExAC dataset (Lek et al., 2016). The T462M variant is a non-conservative amino acid substitution, which is likely to impact secondary protein structure as these residues differ in polarity, charge, size and/or other properties. This substitution occurs at a position that is conserved across species. In silico analysis predicts this variant is probably damaging to the protein structure/function. We interpret T462M as a variant of uncertain significance.